The following is an entry in ClinVar:

ClinVar aggregate classification (germline): Pathogenic/Likely pathogenic. Review status: criteria provided, multiple submitters, no conflicts (2 of 4 stars). 9 submissions from 7 submitters: Pathogenic (4); Likely pathogenic (2). 3 of the submissions do not count toward it. Last evaluated 2025-07-13.

Conditions:
Multiple epiphyseal dysplasia. Also called: Multiple epiphyseal dysplasia (disease). Identifiers: Orphanet 251, MedGen C0026760, MONDO:0016648, HP:0002654.
Spondyloepimetaphyseal dysplasia, matrilin-3 type (SEMDBCD). Also called: SEMD, MATN3-RELATED; Spondyloepimetaphyseal dysplasia, MATN3-related. Identifiers: Orphanet 156728, MedGen C1837481, MONDO:0012108, OMIM 608728.
Multiple epiphyseal dysplasia type 5 (EDM5). Also called: Microepiphyseal dysplasia, bilateral hereditary; MATN3-Related Multiple Epiphyseal Dysplasia. Identifiers: Orphanet 93311, MedGen C1846843, MONDO:0011765, OMIM 607078.

Allele frequency attached by ClinVar (database versions not stated): gnomAD exomes 0.00001.
gnomAD v4.1: 3 of 1,613,928 alleles (0.00019%); highest among the groups gnomAD compares: East Asian, 0.0022%; no homozygotes.

Submissions (9):

Labcorp Genetics (formerly Invitae), Labcorp
Classification: Pathogenic. Last evaluated: 2025-07-13. Review status: criteria provided, single submitter. Criteria: Invitae Variant Classification Sherloc (09022015). Collection method: clinical testing. Allele origin: germline.
Comment: This sequence change replaces threonine, which is neutral and polar, with methionine, which is neutral and non-polar, at codon 120 of the MATN3 protein (p.Thr120Met). This variant is not present in population databases (gnomAD no frequency). This missense change has been observed in individuals with multiple epiphyseal dysplasia (PMID: 14729835, 15459972, 21965141). It has also been observed to segregate with disease in related individuals. ClinVar contains an entry for this variant (Variation ID: 65664). Invitae Evidence Modeling of protein sequence and biophysical properties (such as structural, functional, and spatial information, amino acid conservation, physicochemical variation, residue mobility, and thermodynamic stability) has been performed for this missense variant. However, the output from this modeling did not meet the statistical confidence thresholds required to predict the impact of this variant on MATN3 protein function. For these reasons, this variant has been classified as Pathogenic.

GeneDx
Classification: Likely pathogenic. Last evaluated: 2024-12-16. Review status: criteria provided, single submitter. Criteria: GeneDx Variant Classification Process June 2021. Collection method: clinical testing. Allele origin: germline. Affected: yes.
Comment: In silico analysis supports that this missense variant has a deleterious effect on protein structure/function; Not observed at significant frequency in large population cohorts (gnomAD); This variant is associated with the following publications: (PMID: 31724101, 32025536, 14729835, 21965141, 33726816, 15459972)

Clinical Genetics and Genomics, Karolinska University Hospital
Classification: Likely pathogenic. Last evaluated: 2019-01-08. Review status: criteria provided, single submitter. Criteria: ACMG Guidelines, 2015. Collection method: clinical testing. Allele origin: germline. Affected: yes. Observed: 2 variant alleles.

CeGaT Center for Human Genetics Tuebingen
Classification: Pathogenic. Last evaluated: 2018-02-01. Review status: criteria provided, single submitter. Criteria: CeGaT Center For Human Genetics Tuebingen Variant Classification Criteria Version 2. Collection method: clinical testing. Allele origin: germline. Affected: yes. Observed: 1 variant allele.

Neuberg Centre For Genomic Medicine, NCGM
Classification: Pathogenic for Multiple epiphyseal dysplasia type 5. Review status: criteria provided, single submitter. Criteria: ACMG Guidelines, 2015. Collection method: clinical testing. Allele origin: germline. Affected: yes.
Comment: The missense variant p.T120M in MATN3 (NM_002381.5) has been reported in multiple affected individuals and shows incomplete penetrance (Mabuchi A et al; Jackson GC et al; Kim OH et al). It has been submitted to ClinVar as Pathogenic.The p.T120M variant is novel (not in any individuals) in gnomAD Exomes and is novel (not in any individuals) in 1000 Genomes. The p.T120M missense variant is predicted to be damaging by both SIFT and PolyPhen2. The threonine residue at codon 120 of MATN3 is conserved in all mammalian species. The nucleotide c.359 in MATN3 is predicted conserved by GERP++ and PhyloP across 100 vertebrates. For these reasons, this variant has been classified as Pathogenic

Neuberg Centre For Genomic Medicine, NCGM
Classification: Pathogenic for Spondyloepimetaphyseal dysplasia, matrilin-3 type. Review status: criteria provided, single submitter. Criteria: ACMG Guidelines, 2015. Collection method: clinical testing. Allele origin: germline. Inheritance: Autosomal recessive inheritance. Affected: yes.
Comment: The missense variant p.T120M in MATN3 (NM_002381.5) has been reported in multiple affected individuals and shows incomplete penetrance (Mabuchi A et al,Jackson GC et al,Kim OH et al). It has been submitted to ClinVar as Pathogenic. The p.T120M variant is novel (not in any individuals) in gnomAD Exomes and is novel (not in any individuals) in 1000 Genomes. The p.T120M missense variant is predicted to be damaging by both SIFT and PolyPhen2. The threonine residue at codon 120 of MATN3 is conserved in all mammalian species. The nucleotide c.359 in MATN3 is predicted conserved by GERP++ and PhyloP across 100 vertebrates. For these reasons, this variant has been classified as Pathogenic.

OMIM
Classification: Pathogenic for EPIPHYSEAL DYSPLASIA, MULTIPLE, 5. Last evaluated: 2004-01-01. Review status: no assertion criteria provided. Collection method: literature only. Allele origin: germline. Not counted in ClinVar's aggregate classification.

OMIM
Classification: Pathogenic for SPONDYLOEPIMETAPHYSEAL DYSPLASIA, BOROCHOWITZ-CORMIER-DAIRE TYPE. Last evaluated: 2004-01-01. Review status: no assertion criteria provided. Collection method: literature only. Allele origin: germline. Not counted in ClinVar's aggregate classification.

GeneReviews
No classification provided. Condition: Multiple epiphyseal dysplasia. Review status: no classification provided. Collection method: literature only. Allele origin: germline. Not counted in ClinVar's aggregate classification.
Comment: European-based studies have identified p.Arg121Trp in 12/33 and p.Thr120Met in 5/33 affected individuals (total = 52%) [Chapman et al 2001; Mostert et al 2003; Jackson et al 2004; Cotterill et al 2005; Fresquet et al 2007; Jackson et al 2012; Author, unpublished data]. In a Japanese population, p.Arg121Trp was identified in 3/9 and p.Thr120Met in 3/9 affected individuals (total = 66%) [Mabuchi et al 2004, Itoh et al 2006]. In a Korean study, p.Arg121Trp was identified in 20/30 and p.Thr120Met was identified in 4/30 affected individuals (total = 80%) [Kim et al 2011].

Literature cited by the submitters: PubMed 14729835 (cited by Labcorp Genetics (formerly Invitae), Labcorp and OMIM); PubMed 15459972 (cited by Labcorp Genetics (formerly Invitae), Labcorp); PubMed 21965141 (cited by Labcorp Genetics (formerly Invitae), Labcorp and GeneReviews); PubMed 31724101 (cited by OMIM); NCBI Bookshelf NBK1123 (cited by GeneReviews).

NM_002381.5(MATN3):c.359C>T (p.Thr120Met)

Gene: MATN3 (matrilin 3; minus strand). Cytogenetic location: 2p24.1.
Variant type: single nucleotide variant.
Coding change: c.359C>T on transcript NM_002381.5 (MANE Select); coding-DNA position 359, C replaced by T.
Protein change: p.Thr120Met; replaces threonine 120 with methionine.
Molecular consequence: missense variant.
Genome position (GRCh38, 1-based): chr2:20,006,175, G>A on the plus strand (C>T on the coding strand, the complement: MATN3 is on the minus strand). VCF-style: chr2-20006175-G-A. GRCh37 (hg19) VCF-style: chr2-20205936-G-A.
Other names: c.[359C>T] (NM_002381.5); short protein forms T120M.
Identifiers: ClinVar variation 65664 (VCV000065664.54), dbSNP rs397515546, ClinGen allele CA344997.
Genomic context (GRCh38, chr2:20,006,175, plus strand): 5'-TAGGCCTGGAGTTGGAACTCGATCTTCACAGTGCTAGCATAGTTCACCACTGCCACCCGC[G>A]TGTCGGCTGGCCCAATGTCCAGAGTGTCGATTATCCGGGAGACAAAAGTTTTCACTTTGG-3'
Protein context (NP_002372.1, residues 110-130): IDTLDIGPAD[Thr120Met]RVAVVNYAST